The following is an entry in ClinVar:

ClinVar aggregate classification (germline): Conflicting classifications of pathogenicity. Review status: criteria provided, conflicting classifications (1 of 4 stars). 2 submissions from 2 submitters: Uncertain significance (1); Likely benign (1). Last evaluated 2023-03-23.

Conditions:
Hereditary cancer-predisposing syndrome. Also called: Hereditary neoplastic syndrome; Hereditary Cancer Syndrome; Tumor predisposition; Neoplastic Syndromes, Hereditary. Identifiers: Orphanet 140162, MedGen C0027672, MeSH D009386, MONDO:0015356.

Allele frequency attached by ClinVar (database versions not stated): gnomAD exomes below 0.00001.
gnomAD v4.1: 1 of 1,613,726 alleles (0.000062%); highest among the groups gnomAD compares: Non-Finnish European, 0.000085%; no homozygotes.

Submissions (2):

University of Washington Department of Laboratory Medicine, University of Washington
Classification: Likely benign for Hereditary cancer-predisposing syndrome. Last evaluated: 2023-03-23. Review status: criteria provided, single submitter. Criteria: Dines et al. (Genet Med. 2020). Collection method: curation. Allele origin: germline.
Comment: Missense variant in a coldspot region where missense variants are very unlikely to be pathogenic (PMID:31911673).

BRCA1 coldspot (exon 11 using historical exon numbering). Reclassification based on statistical prior probability

Quest Diagnostics Nichols Institute San Juan Capistrano
Classification: Uncertain significance. Last evaluated: 2017-06-07. Review status: criteria provided, single submitter. Criteria: Quest Diagnostics criteria. Collection method: clinical testing. Allele origin: germline.

NM_007294.4(BRCA1):c.3280T>C (p.Tyr1094His)

Genes: BRCA1 (BRCA1 DNA repair associated; minus strand), LOC126862571 (BRD4-independent group 4 enhancer GRCh37_chr17:41243136-41244335; plus strand). Cytogenetic location: 17q21.31.
Variant type: single nucleotide variant.
Coding change: c.3280T>C on transcript NM_007294.4 (MANE Select); coding-DNA position 3280, T replaced by C.
Protein change: p.Tyr1094His; replaces tyrosine 1094 with histidine.
Molecular consequence: missense variant. On other transcripts: intron variant (137).
Genome position (GRCh38, 1-based): chr17:43,092,251, A>G on the plus strand (T>C on the coding strand, the complement: BRCA1 is on the minus strand). VCF-style: chr17-43092251-A-G. GRCh37 (hg19) VCF-style: chr17-41244268-A-G.
Other names: c.3016T>C, p.Tyr1006His (NM_001407927.1, NM_001407928.1, NM_001407929.1 and 9 more transcripts); c.3157T>C, p.Tyr1053His (NM_001407938.1, NM_001407939.1, NM_001407937.1 and 19 more transcripts); c.3136T>C, p.Tyr1046His (NM_001407943.1, NM_001407740.1, NM_001407741.1 and 20 more transcripts); c.3139T>C, p.Tyr1047His (NM_001407944.1, NM_001407945.1, NM_001407942.1 and 29 more transcripts); c.2947T>C, p.Tyr983His (NM_001407946.1, NM_001407947.1, NM_001407948.1 and 6 more transcripts); c.3013T>C, p.Tyr1005His (NM_001407930.1, NM_001407931.1, NM_001407932.1 and 2 more transcripts); c.3154T>C, p.Tyr1052His (NM_001407940.1, NM_001407941.1, NM_001407649.1 and 11 more transcripts); c.3067T>C, p.Tyr1023His (NM_001407853.1, NM_001407894.1, NM_001407895.1 and 9 more transcripts); and 41 more; short protein forms Y1094H, Y1047H, Y1005H, Y1023H, Y1026H, Y1052H, Y967H, Y982H.
Identifiers: ClinVar variation 438923 (VCV000438923.5), dbSNP rs1555588026, ClinGen allele CA10595430.
Genomic context (GRCh38, chr17:43,092,251, plus strand): 5'-CATATTCTTGCTTTTTTATTTCAGGATGCTTACAATTACTTCCAGGAAGACTTTGTTTAT[A>G]GACCTCAGGTTGCAAAACCCCTAATCTAAGCATAGCATTCAATTTTGGCCCTCTGTTTCT-3'
Protein context (NP_009225.1, residues 1084-1104): LRLGVLQPEV[Tyr1094His]KQSLPGSNCK